The following is an entry in ClinVar:

ClinVar aggregate classification (germline): Uncertain significance (1 of 4 stars; one submission).

Submission:

Labcorp Genetics (formerly Invitae), Labcorp
Classification: Uncertain significance. Last evaluated: 2022-02-22. Review status: criteria provided, single submitter. Criteria: Invitae Variant Classification Sherloc (09022015). Collection method: clinical testing. Allele origin: germline.
Comment: This sequence change falls in intron 3 of the COL9A1 gene. It does not directly change the encoded amino acid sequence of the COL9A1 protein. It affects a nucleotide within the consensus splice site. This variant is not present in population databases (gnomAD no frequency). This variant has not been reported in the literature in individuals affected with COL9A1-related conditions. Variants that disrupt the consensus splice site are a relatively common cause of aberrant splicing (PMID: 17576681, 9536098). Algorithms developed to predict the effect of sequence changes on RNA splicing suggest that this variant is not likely to affect RNA splicing. In summary, the available evidence is currently insufficient to determine the role of this variant in disease. Therefore, it has been classified as a Variant of Uncertain Significance.

Literature cited by the submitters: PubMed 17576681; PubMed 9536098.

NM_001851.6(COL9A1):c.166+3G>A

Gene: COL9A1 (collagen type IX alpha 1 chain; minus strand). Cytogenetic location: 6q13.
Variant type: single nucleotide variant.
Coding change: c.166+3G>A on transcript NM_001851.6 (MANE Select); 3 bases into the intron after coding-DNA position 166, G replaced by A.
Molecular consequence: intron variant.
Genome position (GRCh38, 1-based): chr6:70,300,306, C>T on the plus strand (G>A on the coding strand, the complement: COL9A1 is on the minus strand). VCF-style: chr6-70300306-C-T. GRCh37 (hg19) VCF-style: chr6-71010009-C-T.
Other names: c.166+3G>A (NM_001377291.1).
Identifiers: ClinVar variation 2101451 (VCV002101451.4), dbSNP rs2483519435, ClinGen allele CA2580075725.